The following is an entry in ClinVar:

NM_004369.4(COL6A3):c.9218G>T (p.Ser3073Ile)

Gene: COL6A3 (collagen type VI alpha 3 chain; minus strand). Cytogenetic location: 2q37.3.
Variant type: single nucleotide variant.
Coding change: c.9218G>T on transcript NM_004369.4 (MANE Select); coding-DNA position 9218, G replaced by T.
Protein change: p.Ser3073Ile; replaces serine 3073 with isoleucine.
Molecular consequence: missense variant.
Genome position (GRCh38, 1-based): chr2:237,334,637, C>A on the plus strand (G>T on the coding strand, the complement: COL6A3 is on the minus strand). VCF-style: chr2-237334637-C-A. GRCh37 (hg19) VCF-style: chr2-238243280-C-A.
Other names: c.7397G>T, p.Ser2466Ile (NM_057166.5); c.8600G>T, p.Ser2867Ile (NM_057167.4); short protein forms S2466I, S2867I, S3073I.
Identifiers: ClinVar variation 4533618 (VCV004533618.6).

ClinVar aggregate classification (germline): Uncertain significance (1 of 4 stars; one submission).

Submission:

CeGaT Center for Human Genetics Tuebingen
Classification: Uncertain significance. Last evaluated: 2025-11-01. Review status: criteria provided, single submitter. Criteria: CeGaT Center For Human Genetics Tuebingen Variant Classification Criteria Version 2. Collection method: clinical testing. Allele origin: germline. Affected: yes. Observed: 1 variant allele.
Comment: COL6A3: PM2, BP4